The following is an entry in ClinVar:

NM_001199753.2(CPT1C):c.2216G>C (p.Ser739Thr)

Gene: CPT1C (carnitine palmitoyltransferase 1C; plus strand). Cytogenetic location: 19q13.33.
Variant type: single nucleotide variant.
Coding change: c.2216G>C on transcript NM_001199753.2 (MANE Select); coding-DNA position 2216, G replaced by C.
Protein change: p.Ser739Thr; replaces serine 739 with threonine.
Molecular consequence: missense variant. On other transcripts: non-coding transcript variant (1).
Genome position (GRCh38, 1-based): chr19:49,713,054, G>C. VCF-style: chr19-49713054-G-C. GRCh37 (hg19) VCF-style: chr19-50216311-G-C.
Other names: c.2183G>C, p.Ser728Thr (NM_001136052.3, NM_001378485.1); c.2216G>C, p.Ser739Thr (NM_001199752.3, NM_001378483.1, NM_001378484.1 and 1 more transcripts); c.2282G>C, p.Ser761Thr (NM_001378482.1); c.2081G>C, p.Ser694Thr (NM_001378486.1, NM_001378488.1); c.2048G>C, p.Ser683Thr (NM_001378487.1); short protein forms S683T, S694T, S728T, S739T, S761T.
Identifiers: ClinVar variation 3769136 (VCV003769136.2).

ClinVar aggregate classification (germline): Uncertain significance (1 of 4 stars; one submission).

gnomAD v4.1: 1 of 1,613,798 alleles (0.000062%); highest among the groups gnomAD compares: Non-Finnish European, 0.000085%; no homozygotes.

Submission:

Women's Health and Genetics/Laboratory Corporation of America, LabCorp
Classification: Uncertain significance. Last evaluated: 2025-01-13. Review status: criteria provided, single submitter. Criteria: LabCorp Variant Classification Summary - May 2015. Collection method: clinical testing. Allele origin: germline.
Comment: Variant summary: CPT1C c.2183G>C (p.Ser728Thr) results in a conservative amino acid change in the encoded protein sequence. Four of five in-silico tools predict a damaging effect of the variant on protein function. The variant was absent in 251418 control chromosomes. The available data on variant occurrences in the general population are insufficient to allow any conclusion about variant significance. To our knowledge, no occurrence of c.2183G>C in individuals affected with Hereditary Spastic Paraplegia 73 and no experimental evidence demonstrating its impact on protein function have been reported. No submitters have cited clinical-significance assessments for this variant to ClinVar. Based on the evidence outlined above, the variant was classified as uncertain significance.